The following is an entry in ClinVar:

NM_001395460.1(TENM2):c.8022G>A (p.Thr2674=)

Gene: TENM2 (teneurin transmembrane protein 2; plus strand). Cytogenetic location: 5q34.
Variant type: single nucleotide variant.
Coding change: c.8022G>A on transcript NM_001395460.1 (MANE Select); coding-DNA position 8022, G replaced by A.
Protein change: p.Thr2674=; no amino-acid change (threonine 2674 retained).
Molecular consequence: synonymous variant.
Genome position (GRCh38, 1-based): chr5:168,262,507, G>A. VCF-style: chr5-168262507-G-A. GRCh37 (hg19) VCF-style: chr5-167689512-G-A.
Other names: c.7305G>A, p.Thr2435= (NM_001080428.3); c.7995G>A, p.Thr2665= (NM_001122679.2); c.7545G>A, p.Thr2515= (NM_001368145.1); c.7539G>A, p.Thr2513= (NM_001368146.1).
Identifiers: ClinVar variation 2656032 (VCV002656032.24), dbSNP rs372246861, ClinGen allele CA3548274.

ClinVar aggregate classification (germline): Likely benign (1 of 4 stars; one submission).

Allele frequency attached by ClinVar (database versions not stated): ESP Exome Variant Server 0.00008; 1000 Genomes Project 30x 0.00016; gnomAD exomes 0.00016; 1000 Genomes Project 0.00020; gnomAD 0.00021; TOPMed 0.00026; ExAC 0.00044.
gnomAD v4.1: 251 of 1,556,766 alleles (0.016%); highest among the groups gnomAD compares: Middle Eastern, 0.05%; no homozygotes.

Submission:

CeGaT Center for Human Genetics Tuebingen
Classification: Likely benign. Last evaluated: 2022-04-01. Review status: criteria provided, single submitter. Criteria: CeGaT Center For Human Genetics Tuebingen Variant Classification Criteria Version 2. Collection method: clinical testing. Allele origin: germline. Affected: yes. Observed: 1 variant allele.
Comment: TENM2: BP4, BP7